The following is an entry in ClinVar:

NM_139057.4(ADAMTS17):c.1412G>T (p.Ser471Ile)

Gene: ADAMTS17 (ADAM metallopeptidase with thrombospondin type 1 motif 17; minus strand). Cytogenetic location: 15q26.3.
Variant type: single nucleotide variant.
Coding change: c.1412G>T on transcript NM_139057.4 (MANE Select); coding-DNA position 1412, G replaced by T.
Protein change: p.Ser471Ile; replaces serine 471 with isoleucine.
Molecular consequence: missense variant.
Genome position (GRCh38, 1-based): chr15:100,152,673, C>A on the plus strand (G>T on the coding strand, the complement: ADAMTS17 is on the minus strand). VCF-style: chr15-100152673-C-A. GRCh37 (hg19) VCF-style: chr15-100692878-C-A.
Other names: short protein forms S471I.
Identifiers: ClinVar variation 1504619 (VCV001504619.6), dbSNP rs367991535, ClinGen allele CA7758252.

ClinVar aggregate classification (germline): Uncertain significance (1 of 4 stars; one submission).

Allele frequency attached by ClinVar (database versions not stated): gnomAD 0.00004.
gnomAD v4.1: 78 of 1,614,076 alleles (0.0048%); highest among the groups gnomAD compares: Admixed American, 0.13%; no homozygotes.

Submission:

Labcorp Genetics (formerly Invitae), Labcorp
Classification: Uncertain significance. Last evaluated: 2024-10-10. Review status: criteria provided, single submitter. Criteria: Invitae Variant Classification Sherloc (09022015). Collection method: clinical testing. Allele origin: germline.
Comment: This sequence change replaces serine, which is neutral and polar, with isoleucine, which is neutral and non-polar, at codon 471 of the ADAMTS17 protein (p.Ser471Ile). The frequency data for this variant in the population databases is considered unreliable, as metrics indicate poor data quality at this position in the gnomAD database. This variant has not been reported in the literature in individuals affected with ADAMTS17-related conditions. ClinVar contains an entry for this variant (Variation ID: 1504619). An algorithm developed to predict the effect of missense changes on protein structure and function (PolyPhen-2) suggests that this variant is likely to be disruptive. In summary, the available evidence is currently insufficient to determine the role of this variant in disease. Therefore, it has been classified as a Variant of Uncertain Significance.